The following is an entry in ClinVar:

NM_212482.4(FN1):c.7252G>A (p.Gly2418Ser)

Genes: ATIC (5-aminoimidazole-4-carboxamide ribonucleotide formyltransferase/IMP cyclohydrolase; plus strand), FN1 (fibronectin 1; minus strand). Cytogenetic location: 2q35.
Variant type: single nucleotide variant.
Coding change: c.7252G>A on transcript NM_212482.4 (MANE Select); coding-DNA position 7252, G replaced by A.
Protein change: p.Gly2418Ser; replaces glycine 2418 with serine.
Molecular consequence: missense variant.
Genome position (GRCh38, 1-based): chr2:215,362,079, C>T on the plus strand (G>A on the coding strand, the complement: FN1 is on the minus strand). VCF-style: chr2-215362079-C-T. GRCh37 (hg19) VCF-style: chr2-216226802-C-T.
Other names: c.7159G>A, p.Gly2387Ser (NM_001306129.2); c.6622G>A, p.Gly2208Ser (NM_001306130.2); c.6616G>A, p.Gly2206Ser (NM_001306131.2); c.6541G>A, p.Gly2181Ser (NM_001306132.2); c.6982G>A, p.Gly2328Ser (NM_001365517.2); c.6979G>A, p.Gly2327Ser (NM_001365518.2); c.6907G>A, p.Gly2303Ser (NM_001365519.2); c.6904G>A, p.Gly2302Ser (NM_001365520.2); and 8 more; short protein forms G2117S, G2181S, G2206S, G2207S, G2208S, G2212S, G2237S, G2271S.
Identifiers: ClinVar variation 4531811 (VCV004531811.1).
Genomic context (GRCh38, chr2:215,362,079, plus strand): 5'-CAGTAGTGCCTTCGGGACTGGGTTCACCCCCAGGTCTGCGGCAGTTGTCACAGCGCCAGC[C>T]CTGAGAGAGTAGAGGCATGAAGTCAAATGGGGTTTATGATAACCTGAGGACATCGTAATT-3'
Protein context (NP_997647.2, residues 2408-2428): CSCTCFGGQR[Gly2418Ser]WRCDNCRRPG

ClinVar aggregate classification (germline): Uncertain significance (1 of 4 stars; one submission).

Conditions:
Glomerulopathy with fibronectin deposits 2 (GFND2). Identifiers: Orphanet 84090, MedGen C1866075, MONDO:0011165, OMIM 601894.

gnomAD v4.1: 3 of 1,612,614 alleles (0.00019%); highest among the groups gnomAD compares: East Asian, 0.0022%; no homozygotes.

Submission:

Victorian Clinical Genetics Services, Murdoch Childrens Research Institute
Classification: Uncertain significance for Glomerulopathy with fibronectin deposits 2. Last evaluated: 2025-03-31. Review status: criteria provided, single submitter. Criteria: ACMG Guidelines, 2015. Collection method: clinical testing. Allele origin: germline. Affected: yes.
Comment: This variant is classified as VUS-3B. Evidence in support of pathogenic classification: Variant is present in gnomAD <0.001 for a dominant condition (v4: 3 heterozygote(s), 0 homozygote(s)). Additional information: Variant is predicted to result in a missense amino acid change from glycine to serine; This variant is heterozygous; This gene is associated with autosomal dominant disease. Variants associated with glomerulopathy with fibronectin deposits 2 (MIM#601894) lie within the C-terminus, while variants associated with spondylometaphyseal dysplasia, corner fracture type (MIM#184255) lie within the N-terminus (domains I-1 to I-5) and often affect the cysteine residues involved in disulphide bonds (PMIDs: 29100092, 32200603); Alternative amino acid change(s) at the same position are present in gnomAD (Highest allele count: v4: 2 heterozygote(s), 0 homozygote(s)); This variant has no previous evidence of pathogenicity; No published segregation evidence has been identified for this variant; No published functional evidence has been identified for this variant; Another missense variant(s) comparable to the one identified in this case has inconclusive previous evidence for pathogenicity. p.(Gly2418Asp) has been classified as a VUS by a clinical laboratory in ClinVar; Variant is located in the annotated fibronectin type I domain (DECIPHER); Missense variant with inconclusive in silico prediction and/or uninformative conservation; The mechanism of disease for this gene is not clearly established. This gene has previously been reported in association with haploinsufficiency; however, dominant negative appears to be the likely mechanism of disease (PMID: 29100092, 39367925); Variants in this gene are known to have variable expressivity. Intrafamilial variability has been observed (PMID: 32200603); Inheritance information for this variant is not currently available in this individual.

Literature cited by the submitters: PubMed 39367925; PubMed 32200603; PubMed 29100092.